The following is an entry in ClinVar:

NM_002979.5(SCP2):c.8C>T (p.Ser3Phe)

Gene: SCP2 (sterol carrier protein 2; plus strand). Cytogenetic location: 1p32.3.
Variant type: single nucleotide variant.
Coding change: c.8C>T on transcript NM_002979.5 (MANE Select); coding-DNA position 8, C replaced by T.
Protein change: p.Ser3Phe; replaces serine 3 with phenylalanine.
Molecular consequence: missense variant. On other transcripts: 5 prime UTR variant (1).
Genome position (GRCh38, 1-based): chr1:52,927,404, C>T. VCF-style: chr1-52927404-C-T. GRCh37 (hg19) VCF-style: chr1-53393076-C-T.
Other names: c.8C>T, p.Ser3Phe (NM_001007098.3, NM_001193599.2, NM_001193600.2 and 1 more transcripts); c.-178C>T (NM_001193617.2); short protein forms S3F.
Identifiers: ClinVar variation 1471293 (VCV001471293.8), dbSNP rs2150086298, ClinGen allele CA340384421.

ClinVar aggregate classification (germline): Uncertain significance (1 of 4 stars; one submission).

gnomAD v4.1: 1 of 1,595,262 alleles (0.000063%); highest among the groups gnomAD compares: Non-Finnish European, 0.000085%; no homozygotes.

Submission:

Labcorp Genetics (formerly Invitae), Labcorp
Classification: Uncertain significance. Last evaluated: 2021-05-25. Review status: criteria provided, single submitter. Criteria: Invitae Variant Classification Sherloc (09022015). Collection method: clinical testing. Allele origin: germline.
Comment: In summary, the available evidence is currently insufficient to determine the role of this variant in disease. Therefore, it has been classified as a Variant of Uncertain Significance. Algorithms developed to predict the effect of missense changes on protein structure and function (SIFT, PolyPhen-2, Align-GVGD) all suggest that this variant is likely to be tolerated, but these predictions have not been confirmed by published functional studies and their clinical significance is uncertain. This variant has not been reported in the literature in individuals with SCP2-related conditions. This variant is not present in population databases (ExAC no frequency). This sequence change replaces serine with phenylalanine at codon 3 of the SCP2 protein (p.Ser3Phe). The serine residue is weakly conserved and there is a large physicochemical difference between serine and phenylalanine.